The following is an entry in ClinVar:

NM_001178020.3(BEAN1):c.-22G>A

Gene: BEAN1 (brain expressed associated with NEDD4 1; plus strand). Cytogenetic location: 16q21.
Variant type: single nucleotide variant.
Coding change: c.-22G>A on transcript NM_001178020.3 (MANE Select); 22 bases upstream of the start codon, G replaced by A.
Molecular consequence: 5 prime UTR variant. On other transcripts: intron variant (2).
Genome position (GRCh38, 1-based): chr16:66,437,655, G>A. VCF-style: chr16-66437655-G-A. GRCh37 (hg19) VCF-style: chr16-66471558-G-A.
Other names: c.-303+10224G>A (NM_001197224.4, NM_001136106.5).
Identifiers: ClinVar variation 2646593 (VCV002646593.24), dbSNP rs577726420, ClinGen allele CA8093371.
Genomic context (GRCh38, chr16:66,437,655, plus strand): 5'-GTGAGTGGAGGGGCCTTCCCTGCGAGAAGTCAGAGCTGTGCCCGTGGGCAGGCTGGCTCC[G>A]CTGTTCTGCTCCAAGGATTACATGTCCTTCAAACGTCCCTGCCCCTGTAAGTTTCCTCCC-3'

ClinVar aggregate classification (germline): Likely benign (1 of 4 stars; one submission).

Allele frequency attached by ClinVar (database versions not stated): 1000 Genomes Project 0.00020; ExAC 0.00025; 1000 Genomes Project 30x 0.00031; gnomAD 0.00044.
gnomAD v4.1: 489 of 1,535,828 alleles (0.032%); highest among the groups gnomAD compares: African/African-American, 0.063%; no homozygotes.

Submission:

CeGaT Center for Human Genetics Tuebingen
Classification: Likely benign. Last evaluated: 2022-07-01. Review status: criteria provided, single submitter. Criteria: CeGaT Center For Human Genetics Tuebingen Variant Classification Criteria Version 2. Collection method: clinical testing. Allele origin: germline. Affected: yes. Observed: 1 variant allele.
Comment: BEAN1: BP4